The following is an entry in ClinVar:

ClinVar aggregate classification (germline): Pathogenic (1 of 4 stars; one submission).

Conditions:
Asphyxiating thoracic dystrophy 5 (SRTD5). Also called: SHORT-RIB THORACIC DYSPLASIA 5 WITH OR WITHOUT POLYDACTYLY; SHORT-RIB THORACIC DYSPLASIA 5 WITHOUT POLYDACTYLY. Identifiers: Orphanet 474, MedGen C3280598, MONDO:0013717, OMIM 614376.
Senior-Loken syndrome 8 (SLSN8). Identifiers: Orphanet 3156, MedGen C4225376, MONDO:0014579, OMIM 616307.

Submission:

Labcorp Genetics (formerly Invitae), Labcorp
Classification: Pathogenic for Senior-Loken syndrome 8; Asphyxiating thoracic dystrophy 5. Last evaluated: 2024-11-02. Review status: criteria provided, single submitter. Criteria: Invitae Variant Classification Sherloc (09022015). Collection method: clinical testing. Allele origin: germline.
Comment: This sequence change creates a premature translational stop signal (p.Gln229*) in the WDR19 gene. It is expected to result in an absent or disrupted protein product. Loss-of-function variants in WDR19 are known to be pathogenic (PMID: 22019273, 23559409, 23683095, 26275793, 27241786, 29068549). This variant is not present in population databases (gnomAD no frequency). This variant has not been reported in the literature in individuals affected with WDR19-related conditions. Algorithms developed to predict the effect of sequence changes on RNA splicing suggest that this variant may disrupt the consensus splice site. For these reasons, this variant has been classified as Pathogenic.

Literature cited by the submitters: PubMed 22019273; PubMed 23559409; PubMed 23683095; PubMed 26275793; PubMed 27241786; PubMed 29068549.

NM_025132.4(WDR19):c.685C>T (p.Gln229Ter)

Gene: WDR19 (WD repeat domain 19; plus strand). Cytogenetic location: 4p14.
Variant type: single nucleotide variant.
Coding change: c.685C>T on transcript NM_025132.4 (MANE Select); coding-DNA position 685, C replaced by T.
Protein change: p.Gln229Ter; replaces glutamine 229 with a stop codon.
Molecular consequence: nonsense.
Genome position (GRCh38, 1-based): chr4:39,205,235, C>T. VCF-style: chr4-39205235-C-T. GRCh37 (hg19) VCF-style: chr4-39206855-C-T.
Other names: c.205C>T, p.Gln69Ter (NM_001317924.2); short protein forms Q229*, Q69*.
Identifiers: ClinVar variation 3756221 (VCV003756221.2).